The following is an entry in ClinVar:

NM_001372.4(DNAH9):c.7322T>G (p.Phe2441Cys)

Gene: DNAH9 (dynein axonemal heavy chain 9; plus strand). Cytogenetic location: 17p12.
Variant type: single nucleotide variant.
Coding change: c.7322T>G on transcript NM_001372.4 (MANE Select); coding-DNA position 7322, T replaced by G.
Protein change: p.Phe2441Cys; replaces phenylalanine 2441 with cysteine.
Molecular consequence: missense variant.
Genome position (GRCh38, 1-based): chr17:11,768,604, T>G. VCF-style: chr17-11768604-T-G. GRCh37 (hg19) VCF-style: chr17-11671921-T-G.
Other names: short protein forms F2441C.
Identifiers: ClinVar variation 5002195 (VCV005002195.1).

ClinVar aggregate classification (germline): Uncertain significance (1 of 4 stars; one submission).

Conditions:
DNAH9-related disorder. Also called: DNAH9-related condition.

gnomAD v4.1: 5 of 1,613,956 alleles (0.00031%); highest among the groups gnomAD compares: South Asian, 0.0044%; no homozygotes.

Submission:

PreventionGenetics, part of Exact Sciences
Classification: Uncertain significance for DNAH9-related condition. Last evaluated: 2025-06-06. Review status: criteria provided, single submitter. Criteria: ACMG Guidelines, 2015. Collection method: clinical testing. Allele origin: germline.
Comment: The DNAH9 c.7322T>G variant is predicted to result in the amino acid substitution p.Phe2441Cys. To our knowledge, this variant has not been reported in the literature. This variant is reported in 0.0054% of alleles in individuals of East Asian descent in gnomAD. At this time, the clinical significance of this variant is uncertain due to the absence of conclusive functional and genetic evidence.